The following is an entry in ClinVar:

NM_001040142.2(SCN2A):c.2023A>G (p.Thr675Ala)

Gene: SCN2A (sodium voltage-gated channel alpha subunit 2; plus strand). Cytogenetic location: 2q24.3.
Variant type: single nucleotide variant.
Coding change: c.2023A>G on transcript NM_001040142.2 (MANE Select); coding-DNA position 2023, A replaced by G.
Protein change: p.Thr675Ala; replaces threonine 675 with alanine.
Molecular consequence: missense variant.
Genome position (GRCh38, 1-based): chr2:165,326,858, A>G. VCF-style: chr2-165326858-A-G. GRCh37 (hg19) VCF-style: chr2-166183368-A-G.
Other names: c.2023A>G, p.Thr675Ala (NM_001040143.2, NM_001371246.1, NM_001371247.1 and 1 more transcripts); short protein forms T675A.
Identifiers: ClinVar variation 452780 (VCV000452780.8), dbSNP rs371601218, ClinGen allele CA1939919.
Genomic context (GRCh38, chr2:165,326,858, plus strand): 5'-GGGCTTTGCTGCTTTCAAAAATAGTGGTTATTTCATCTGAAATTCTACTTCTAGGGCACA[A>G]CTACTGAAACAGAAATAAGAAAGAGACGGTCCAGTTCTTATCATGTTTCCATGGATTTAT-3'
Protein context (NP_001035232.1, residues 665-685): SAGQLLPEGT[Thr675Ala]TETEIRKRRS

ClinVar aggregate classification (germline): Conflicting classifications of pathogenicity. Review status: criteria provided, conflicting classifications (1 of 4 stars). 2 submissions from 2 submitters: Uncertain significance (1); Likely benign (1). Last evaluated 2025-04-01.

Conditions:
Developmental and epileptic encephalopathy, 11 (DEE11). Also called: Early infantile epileptic encephalopathy 11. Identifiers: Orphanet 1934, MedGen C3150987, MONDO:0013388, OMIM 613721.
Seizures, benign familial infantile, 3 (BFIS3). Also called: CONVULSIONS, BENIGN FAMILIAL INFANTILE, 3; Familial neonatal seizures. Identifiers: Orphanet 140927, Orphanet 306, MedGen C1843140, MONDO:0011904, OMIM 607745.

Allele frequency attached by ClinVar (database versions not stated): gnomAD exomes below 0.00001 and 0.00001; ExAC 0.00001; TOPMed 0.00002; gnomAD 0.00003; ESP Exome Variant Server 0.00008.
gnomAD v4.1: 7 of 1,613,854 alleles (0.00043%); highest among the groups gnomAD compares: African/African-American, 0.0067%; no homozygotes.

Submissions (2):

Labcorp Genetics (formerly Invitae), Labcorp
Classification: Likely benign for Seizures, benign familial infantile, 3; Developmental and epileptic encephalopathy, 11. Last evaluated: 2025-04-01. Review status: criteria provided, single submitter. Criteria: Invitae Variant Classification Sherloc (09022015). Collection method: clinical testing. Allele origin: germline.

GeneDx
Classification: Uncertain significance. Last evaluated: 2021-06-21. Review status: criteria provided, single submitter. Criteria: GeneDx Variant Classification Process June 2021. Collection method: clinical testing. Allele origin: germline. Affected: yes.
Comment: Missense variants in this gene are often considered pathogenic (Stenson et al., 2014); In silico analysis supports that this missense variant has a deleterious effect on protein structure/function; Has not been previously published as pathogenic or benign to our knowledge; This substitution is predicted to be in the cytoplasmic loop between the first and second homologous domains.; This variant is associated with the following publications: (PMID: 27535533, 24077912)